The following is an entry in ClinVar:

NM_015139.3(SLC35D1):c.891_892del (p.Ile299fs)

Gene: SLC35D1 (solute carrier family 35 member D1; minus strand). Cytogenetic location: 1p31.3.
Variant type: Deletion.
Coding change: c.891_892del on transcript NM_015139.3 (MANE Select); coding-DNA positions 891 to 892, 2 bases deleted (TT; older notation c.891_892delTT).
Protein change: p.Ile299fs; shifts the reading frame from isoleucine 299.
Molecular consequence: frameshift variant.
Genome position (GRCh38, 1-based): chr1:67,009,152-67,009,153, AA deleted on the plus strand (TT on the coding strand, the reverse complement: SLC35D1 is on the minus strand). VCF-style (leftmost placement, unchanged base first): chr1-67009151-TAA-T. GRCh37 (hg19) VCF-style: chr1-67474834-TAA-T.
Other names: short protein forms I299fs.
Identifiers: ClinVar variation 967179 (VCV000967179.8), dbSNP rs745564692, ClinGen allele CA898839.

ClinVar aggregate classification (germline): Conflicting classifications of pathogenicity. Review status: criteria provided, conflicting classifications (1 of 4 stars). 3 submissions from 3 submitters: Likely pathogenic (1); Uncertain significance (2). Last evaluated 2024-05-07.

Conditions:
Schneckenbecken dysplasia. Identifiers: Orphanet 3144, MedGen C0432194, MONDO:0010013, OMIM 269250.

Allele frequency attached by ClinVar (database versions not stated): gnomAD exomes 0.00001 and 0.00002; TOPMed 0.00002; gnomAD 0.00003; ExAC 0.00004; ESP Exome Variant Server 0.00008.

Submissions (3):

Blueprint Genetics
Classification: Uncertain significance. Last evaluated: 2024-05-07. Review status: criteria provided, single submitter. Criteria: ACMG Guidelines, 2015. Collection method: clinical testing. Allele origin: germline.

Department of Pathology and Laboratory Medicine, Sinai Health System
Classification: Likely pathogenic for Schneckenbecken dysplasia. Last evaluated: 2023-02-24. Review status: criteria provided, single submitter. Criteria: ACMG Guidelines, 2015. Collection method: research. Allele origin: germline.

Labcorp Genetics (formerly Invitae), Labcorp
Classification: Uncertain significance for Schneckenbecken dysplasia. Last evaluated: 2021-09-01. Review status: criteria provided, single submitter. Criteria: Invitae Variant Classification Sherloc (09022015). Collection method: clinical testing. Allele origin: germline.
Comment: This sequence change creates a premature translational stop signal (p.Ile299Trpfs*35) in the SLC35D1 gene. While this is not anticipated to result in nonsense mediated decay, it is expected to disrupt the last 57 amino acid(s) of the SLC35D1 protein. This variant is present in population databases (rs745564692, ExAC 0.008%). This variant has not been reported in the literature in individuals affected with SLC35D1-related conditions. Experimental studies and prediction algorithms are not available or were not evaluated, and the functional significance of this variant is currently unknown. In summary, the available evidence is currently insufficient to determine the role of this variant in disease. Therefore, it has been classified as a Variant of Uncertain Significance.